The following is an entry in ClinVar:

NM_017999.5(RNF31):c.2213A>G (p.His738Arg)

Gene: RNF31 (ring finger protein 31; plus strand). Cytogenetic location: 14q12.
Variant type: single nucleotide variant.
Coding change: c.2213A>G on transcript NM_017999.5 (MANE Select); coding-DNA position 2213, A replaced by G.
Protein change: p.His738Arg; replaces histidine 738 with arginine.
Molecular consequence: missense variant.
Genome position (GRCh38, 1-based): chr14:24,155,239, A>G. VCF-style: chr14-24155239-A-G. GRCh37 (hg19) VCF-style: chr14-24624448-A-G.
Other names: c.1760A>G, p.His587Arg (NM_001310332.2); short protein forms H587R, H738R.
Identifiers: ClinVar variation 2835891 (VCV002835891.3), dbSNP rs2502014260, ClinGen allele CA389301603.

ClinVar aggregate classification (germline): Uncertain significance (1 of 4 stars; one submission).

Submission:

Labcorp Genetics (formerly Invitae), Labcorp
Classification: Uncertain significance. Last evaluated: 2023-02-09. Review status: criteria provided, single submitter. Criteria: Invitae Variant Classification Sherloc (09022015). Collection method: clinical testing. Allele origin: germline.
Comment: This sequence change replaces histidine, which is basic and polar, with arginine, which is basic and polar, at codon 738 of the RNF31 protein (p.His738Arg). This variant is not present in population databases (gnomAD no frequency). This variant has not been reported in the literature in individuals affected with RNF31-related conditions. Algorithms developed to predict the effect of missense changes on protein structure and function are either unavailable or do not agree on the potential impact of this missense change (SIFT: "Tolerated"; PolyPhen-2: "Possibly Damaging"; Align-GVGD: "Class C0"). In summary, the available evidence is currently insufficient to determine the role of this variant in disease. Therefore, it has been classified as a Variant of Uncertain Significance.